The following is an entry in ClinVar:

NM_000293.3(PHKB):c.2510A>G (p.Tyr837Cys)

Gene: PHKB (phosphorylase kinase regulatory subunit beta; plus strand). Cytogenetic location: 16q12.1.
Variant type: single nucleotide variant.
Coding change: c.2510A>G on transcript NM_000293.3 (MANE Select); coding-DNA position 2510, A replaced by G.
Protein change: p.Tyr837Cys; replaces tyrosine 837 with cysteine.
Molecular consequence: missense variant.
Genome position (GRCh38, 1-based): chr16:47,669,297, A>G. VCF-style: chr16-47669297-A-G. GRCh37 (hg19) VCF-style: chr16-47703208-A-G.
Other names: c.2510A>G (NM_000293.2); c.2489A>G, p.Tyr830Cys (NM_001031835.3); c.2510A>G, p.Tyr837Cys (NM_001363837.1); short protein forms Y830C, Y837C.
Identifiers: ClinVar variation 2177442 (VCV002177442.2), dbSNP rs764238620, ClinGen allele CA8041264.

ClinVar aggregate classification (germline): Uncertain significance. Review status: criteria provided, multiple submitters, no conflicts (2 of 4 stars). 2 submissions from 2 submitters: Uncertain significance (2). Last evaluated 2025-06-24.

Conditions:
Inborn genetic diseases. Identifiers: MedGen C0950123, MeSH D030342.
Glycogen storage disease IXb (GSD9B). Also called: GLYCOGENOSIS OF LIVER AND MUSCLE, AUTOSOMAL RECESSIVE; GSD IXb; PHOSPHORYLASE KINASE DEFICIENCY OF LIVER AND MUSCLE, AUTOSOMAL RECESSIVE. Identifiers: Orphanet 79240, MedGen C0543514, MONDO:0009868, OMIM 261750.

Allele frequency attached by ClinVar (database versions not stated): gnomAD 0.00001; gnomAD exomes 0.00001; TOPMed 0.00001; ExAC 0.00002.
gnomAD v4.1: 16 of 1,613,898 alleles (0.00099%); highest among the groups gnomAD compares: Admixed American, 0.0033%; no homozygotes.

Submissions (2):

Ambry Genetics
Classification: Uncertain significance for Inborn genetic diseases. Last evaluated: 2025-06-24. Review status: criteria provided, single submitter. Criteria: Ambry Variant Classification Scheme 2023. Collection method: clinical testing. Allele origin: germline.

Labcorp Genetics (formerly Invitae), Labcorp
Classification: Uncertain significance for Glycogen storage disease IXb. Last evaluated: 2022-05-29. Review status: criteria provided, single submitter. Criteria: Invitae Variant Classification Sherloc (09022015). Collection method: clinical testing. Allele origin: germline.
Comment: This sequence change replaces tyrosine, which is neutral and polar, with cysteine, which is neutral and slightly polar, at codon 837 of the PHKB protein (p.Tyr837Cys). This variant is present in population databases (rs764238620, gnomAD 0.007%). This variant has not been reported in the literature in individuals affected with PHKB-related conditions. Algorithms developed to predict the effect of missense changes on protein structure and function are either unavailable or do not agree on the potential impact of this missense change (SIFT: "Tolerated"; PolyPhen-2: "Possibly Damaging"; Align-GVGD: "Class C0"). In summary, the available evidence is currently insufficient to determine the role of this variant in disease. Therefore, it has been classified as a Variant of Uncertain Significance.